The following is an entry in ClinVar:

ClinVar aggregate classification (germline): Uncertain significance (1 of 4 stars; one submission).

Conditions:
Inborn genetic diseases. Identifiers: MedGen C0950123, MeSH D030342.

gnomAD v4.1: 1 of 1,612,044 alleles (0.000062%); highest among the groups gnomAD compares: Non-Finnish European, 0.000085%; no homozygotes.

Submission:

Ambry Genetics
Classification: Uncertain significance for Inborn genetic diseases. Last evaluated: 2026-06-25. Review status: criteria provided, single submitter. Criteria: Ambry Variant Classification Scheme 2023. Collection method: clinical testing. Allele origin: germline.
Comment: The p.N385K variant (also known as c.1155C>G), located in coding exon 8 of the F5 gene, results from a C to G substitution at nucleotide position 1155. The asparagine at codon 385 is replaced by lysine, an amino acid with similar properties. This amino acid position is conserved. In addition, the in silico prediction for this alteration is inconclusive. Based on the available evidence, the clinical significance of this variant remains unclear.

NM_000130.5(F5):c.1155C>G (p.Asn385Lys)

Gene: F5 (coagulation factor V; minus strand). Cytogenetic location: 1q24.2.
Variant type: single nucleotide variant.
Coding change: c.1155C>G on transcript NM_000130.5 (MANE Select); coding-DNA position 1155, C replaced by G.
Protein change: p.Asn385Lys; replaces asparagine 385 with lysine.
Molecular consequence: missense variant.
Genome position (GRCh38, 1-based): chr1:169,552,698, G>C on the plus strand (C>G on the coding strand, the complement: F5 is on the minus strand). VCF-style: chr1-169552698-G-C. GRCh37 (hg19) VCF-style: chr1-169521936-G-C.
Other names: short protein forms N385K.
Identifiers: ClinVar variation 5036274 (VCV005036274.1).